The following is an entry in ClinVar:

NM_001160372.4(TRAPPC9):c.2940C>A (p.Ser980Arg)

Gene: TRAPPC9 (trafficking protein particle complex subunit 9; minus strand). Cytogenetic location: 8q24.3.
Variant type: single nucleotide variant.
Coding change: c.2940C>A on transcript NM_001160372.4 (MANE Select); coding-DNA position 2940, C replaced by A.
Protein change: p.Ser980Arg; replaces serine 980 with arginine.
Molecular consequence: missense variant. On other transcripts: non-coding transcript variant (1).
Genome position (GRCh38, 1-based): chr8:139,910,171, G>T on the plus strand (C>A on the coding strand, the complement: TRAPPC9 is on the minus strand). VCF-style: chr8-139910171-G-T. GRCh37 (hg19) VCF-style: chr8-140922415-G-T.
Other names: c.2913C>A, p.Ser971Arg (NM_001321646.2); c.2961C>A, p.Ser987Arg (NM_001374682.1); c.2829C>A, p.Ser943Arg (NM_001374683.1); c.2796C>A, p.Ser932Arg (NM_001374684.1); c.2940C>A, p.Ser980Arg (NM_031466.8); short protein forms S932R, S943R, S971R, S980R, S987R.
Identifiers: ClinVar variation 5020978 (VCV005020978.1).

ClinVar aggregate classification (germline): Uncertain significance (1 of 4 stars; one submission).

gnomAD v4.1: 3 of 1,613,806 alleles (0.00019%); highest among the groups gnomAD compares: Admixed American, 0.0017%; no homozygotes.

Submission:

Dasa
Classification: Uncertain significance. Last evaluated: 2025-03-21. Review status: criteria provided, single submitter. Criteria: DASA Assertion Criteria. Collection method: clinical testing. Allele origin: germline.
Comment: NM_001160372.4(TRAPPC9):c.2940C>A (p.Ser980Arg) is a missense variant that results in the substitution of serine with arginine. This variant is rare in population databases. The currently available literature and clinical evidence are not sufficient to establish a definitive association between this variant and the reported condition. Therefore, this variant is classified as a variant of uncertain significance.